The following is an entry in ClinVar:

NM_173483.4(CYP4F22):c.1271-7C>T

Gene: CYP4F22 (cytochrome P450 family 4 subfamily F member 22; plus strand). Cytogenetic location: 19p13.12.
Variant type: single nucleotide variant.
Coding change: c.1271-7C>T on transcript NM_173483.4 (MANE Select); 7 bases into the intron before coding-DNA position 1271, C replaced by T.
Molecular consequence: intron variant.
Genome position (GRCh38, 1-based): chr19:15,549,131, C>T. VCF-style: chr19-15549131-C-T. GRCh37 (hg19) VCF-style: chr19-15659942-C-T.
Other names: c.1271-7C>T (NM_173483.3).
Identifiers: ClinVar variation 3004571 (VCV003004571.5), dbSNP rs1971566067, ClinGen allele CA2324932102.

ClinVar aggregate classification (germline): Likely benign. Review status: criteria provided, single submitter (1 of 4 stars). 2 submissions from 2 submitters: Likely benign (1). 1 of the submissions does not count toward it. Last evaluated 2023-11-07.

Conditions:
CYP4F22-related disorder. Also called: CYP4F22-related condition.

Allele frequency attached by ClinVar (database versions not stated): gnomAD exomes below 0.00001; TOPMed below 0.00001.
gnomAD v4.1: 2 of 1,613,962 alleles (0.00012%); highest among the groups gnomAD compares: Non-Finnish European, 0.00017%; no homozygotes.

Submissions (2):

Labcorp Genetics (formerly Invitae), Labcorp
Classification: Likely benign. Last evaluated: 2023-11-07. Review status: criteria provided, single submitter. Criteria: Invitae Variant Classification Sherloc (09022015). Collection method: clinical testing. Allele origin: germline.

PreventionGenetics, part of Exact Sciences
Classification: Likely benign for CYP4F22-related condition. Last evaluated: 2019-10-28. Review status: no assertion criteria provided. Collection method: clinical testing. Allele origin: germline. Not counted in ClinVar's aggregate classification.
Comment: This variant is classified as likely benign based on ACMG/AMP sequence variant interpretation guidelines (Richards et al. 2015 PMID: 25741868, with internal and published modifications).